The following is an entry in ClinVar:

ClinVar aggregate classification (germline): Benign. Review status: criteria provided, multiple submitters, no conflicts (2 of 4 stars). 4 submissions from 4 submitters: Benign (4). Last evaluated 2026-02-04.

Conditions:
Autosomal recessive axonal neuropathy with neuromyotonia (NMAN). Also called: Neuromyotonia and axonal neuropathy, autosomal recessive; Gamstorp-Wohlfart syndrome; MYOKYMIA, MYOTONIA, AND MUSCLE WASTING. Identifiers: Orphanet 324442, MedGen C5700127, MONDO:0007646, OMIM 137200.

Allele frequency attached by ClinVar (database versions not stated): gnomAD exomes 0.03723 and 0.05038; ExAC 0.05517; 1000 Genomes Project 0.11821; gnomAD 0.11918 and 0.12656; 1000 Genomes Project 30x 0.12508; TOPMed 0.13315; ESP Exome Variant Server 0.13963.
gnomAD v4.1: 73,389 of 1,612,466 alleles (4.6%); highest among the groups gnomAD compares: African/African-American, 35%; 5,736 homozygotes.

Submissions (4):

Labcorp Genetics (formerly Invitae), Labcorp
Classification: Benign for Autosomal recessive axonal neuropathy with neuromyotonia. Last evaluated: 2026-02-04. Review status: criteria provided, single submitter. Criteria: Invitae Variant Classification Sherloc (09022015). Collection method: clinical testing. Allele origin: germline.

Mayo Clinic Laboratories, Mayo Clinic
Classification: Benign. Last evaluated: 2016-04-08. Review status: criteria provided, single submitter. Criteria: ACMG Guidelines, 2015. Collection method: clinical testing. Allele origin: germline. Observed: 187 variant alleles.

GeneDx
Classification: Benign. Last evaluated: 2016-01-06. Review status: criteria provided, single submitter. Criteria: GeneDx Variant Classification (06012015). Collection method: clinical testing. Allele origin: germline. Affected: yes.
Comment: This variant is considered likely benign or benign based on one or more of the following criteria: it is a conservative change, it occurs at a poorly conserved position in the protein, it is predicted to be benign by multiple in silico algorithms, and/or has population frequency not consistent with disease.

PreventionGenetics, part of Exact Sciences
Classification: Benign. Review status: criteria provided, single submitter. Criteria: ACMG Guidelines, 2015. Collection method: clinical testing. Allele origin: germline.

NM_005340.7(HINT1):c.57T>C (p.Phe19=)

Gene: HINT1 (histidine triad nucleotide binding protein 1; minus strand). Cytogenetic location: 5q23.3.
Variant type: single nucleotide variant.
Coding change: c.57T>C on transcript NM_005340.7 (MANE Select); coding-DNA position 57, T replaced by C.
Protein change: p.Phe19=; no amino-acid change (phenylalanine 19 retained).
Molecular consequence: synonymous variant. On other transcripts: non-coding transcript variant (5).
Genome position (GRCh38, 1-based): chr5:131,165,149, A>G on the plus strand (T>C on the coding strand, the complement: HINT1 is on the minus strand). VCF-style: chr5-131165149-A-G. GRCh37 (hg19) VCF-style: chr5-130500842-A-G.
Other names: p.Phe19=.
Identifiers: ClinVar variation 259745 (VCV000259745.12), dbSNP rs4696, ClinGen allele CA3398665.